The following is an entry in ClinVar:

NM_172107.4(KCNQ2):c.1634T>C (p.Val545Ala)

Gene: KCNQ2 (potassium voltage-gated channel subfamily Q member 2; minus strand). Cytogenetic location: 20q13.33.
Variant type: single nucleotide variant.
Coding change: c.1634T>C on transcript NM_172107.4 (MANE Select); coding-DNA position 1634, T replaced by C.
Protein change: p.Val545Ala; replaces valine 545 with alanine.
Molecular consequence: missense variant.
Genome position (GRCh38, 1-based): chr20:63,413,579, A>G on the plus strand (T>C on the coding strand, the complement: KCNQ2 is on the minus strand). VCF-style: chr20-63413579-A-G. GRCh37 (hg19) VCF-style: chr20-62044932-A-G.
Other names: c.1580T>C, p.Val527Ala (NM_001382235.1, NM_172106.3); c.1577T>C, p.Val526Ala (NM_001439003.1); c.1547T>C, p.Val516Ala (NM_001439004.1); c.1550T>C, p.Val517Ala (NM_004518.6); c.1541T>C, p.Val514Ala (NM_172108.5); short protein forms V516A, V526A, V527A, V545A, V514A, V517A.
Identifiers: ClinVar variation 4723318 (VCV004723318.1).

ClinVar aggregate classification (germline): Uncertain significance (1 of 4 stars; one submission).

Conditions:
Early-infantile DEE. Also called: Early infantile epileptic encephalopathy; Ohtahara syndrome; Early infantile epileptic encephalopathy with suppression bursts. Identifiers: Orphanet 1934, MedGen C0393706, MONDO:0800491.

Submission:

Labcorp Genetics (formerly Invitae), Labcorp
Classification: Uncertain significance for Early-infantile DEE. Last evaluated: 2025-07-21. Review status: criteria provided, single submitter. Criteria: Invitae Variant Classification Sherloc (09022015). Collection method: clinical testing. Allele origin: germline.
Comment: This sequence change replaces valine, which is neutral and non-polar, with alanine, which is neutral and non-polar, at codon 545 of the KCNQ2 protein (p.Val545Ala). This variant is not present in population databases (gnomAD no frequency). This variant has not been reported in the literature in individuals affected with KCNQ2-related conditions. An algorithm developed to predict the effect of missense changes on protein structure and function (PolyPhen-2) suggests that this variant is likely to be disruptive. In summary, the available evidence is currently insufficient to determine the role of this variant in disease. Therefore, it has been classified as a Variant of Uncertain Significance.